The following is an entry in ClinVar:

NM_015346.4(ZFYVE26):c.1328C>A (p.Ser443Ter)

Gene: ZFYVE26 (zinc finger FYVE-type containing 26; minus strand). Cytogenetic location: 14q24.1.
Variant type: single nucleotide variant.
Coding change: c.1328C>A on transcript NM_015346.4 (MANE Select); coding-DNA position 1328, C replaced by A.
Protein change: p.Ser443Ter; replaces serine 443 with a stop codon.
Molecular consequence: nonsense.
Genome position (GRCh38, 1-based): chr14:67,804,208, G>T on the plus strand (C>A on the coding strand, the complement: ZFYVE26 is on the minus strand). VCF-style: chr14-67804208-G-T. GRCh37 (hg19) VCF-style: chr14-68270925-G-T.
Other names: short protein forms S443*.
Identifiers: ClinVar variation 1724359 (VCV001724359.2), dbSNP rs2502871648, ClinGen allele CA390176881.
Genomic context (GRCh38, chr14:67,804,208, plus strand): 5'-AGAACATCTTCCTCCCTGAGGGCTGGAAGGTTTGTAAGGTGATGGAGAGTGTAGAGCACT[G>T]AGTGGCTGTCTCCACCGTGTAAATGATACAACAGATCTCTCTTTGGTATGGGGTTGCTGA-3'

ClinVar aggregate classification (germline): Likely pathogenic (1 of 4 stars; one submission).

Conditions:
Hereditary spastic paraplegia 15 (SPG15). Also called: SPASTIC PARAPLEGIA 15, AUTOSOMAL RECESSIVE; KJELLIN SYNDROME; SPASTIC PARAPLEGIA AND RETINAL DEGENERATION. Identifiers: Orphanet 100996, MedGen C1849128, MONDO:0010044, OMIM 270700.

Allele frequency attached by ClinVar (database versions not stated): gnomAD exomes below 0.00001.
gnomAD v4.1: 1 of 1,614,160 alleles (0.000062%); highest among the groups gnomAD compares: Non-Finnish European, 0.000085%; no homozygotes.

Submission:

Myriad Genetics, Inc.
Classification: Likely pathogenic for Hereditary spastic paraplegia 15. Last evaluated: 2022-02-09. Review status: criteria provided, single submitter. Criteria: Myriad Women's Health Autosomal Recessive and X-Linked Classification Criteria (2021). Collection method: clinical testing. Allele origin: unknown.
Comment: NM_015346.3(ZFYVE26):c.1328C>A(S443*) is expected to be pathogenic in the context of spastic paraplegia type 15. This variant is predicted to lead to an abnormal or absent protein product due to the creation of a premature termination codon in ZFYVE26, a gene where loss-of-function variants are known to be pathogenic. Please note: this variant was assessed in the context of healthy population screening.